The following is an entry in ClinVar:

ClinVar aggregate classification (germline): Uncertain significance. Review status: criteria provided, single submitter (1 of 4 stars). 2 submissions from 2 submitters: Uncertain significance (1). 1 of the submissions does not count toward it. Last evaluated 2025-01-07.

Conditions:
PLXNA3-related disorder. Also called: PLXNA3-related condition.

Allele frequency attached by ClinVar (database versions not stated): TOPMed 0.00003; gnomAD exomes 0.00004; ExAC 0.00009; gnomAD 0.00012; 1000 Genomes Project 30x 0.00021; 1000 Genomes Project 0.00026.
gnomAD v4.1: 63 of 1,209,679 alleles (0.0052%); highest among the groups gnomAD compares: South Asian, 0.0088%; no homozygotes.

Submissions (2):

Ambry Genetics
Classification: Uncertain significance. Last evaluated: 2025-01-07. Review status: criteria provided, single submitter. Criteria: Ambry Variant Classification Scheme 2023. Collection method: clinical testing. Allele origin: germline.

PreventionGenetics, part of Exact Sciences
Classification: Uncertain significance for PLXNA3-related condition. Last evaluated: 2024-03-01. Review status: no assertion criteria provided. Collection method: clinical testing. Allele origin: germline. Not counted in ClinVar's aggregate classification.
Comment: The PLXNA3 c.5293C>T variant is predicted to result in the amino acid substitution p.Arg1765Cys. To our knowledge, this variant has not been reported in the literature. This variant is reported in 0.021% of alleles in individuals of South Asian descent in gnomAD. Although we suspect that this variant may be benign, at this time, the clinical significance of this variant is uncertain due to the absence of conclusive functional and genetic evidence.

NM_017514.5(PLXNA3):c.5293C>T (p.Arg1765Cys)

Gene: PLXNA3 (plexin A3; plus strand). Cytogenetic location: Xq28.
Variant type: single nucleotide variant.
Coding change: c.5293C>T on transcript NM_017514.5 (MANE Select); coding-DNA position 5293, C replaced by T.
Protein change: p.Arg1765Cys; replaces arginine 1765 with cysteine.
Molecular consequence: missense variant.
Genome position (GRCh38, 1-based): chrX:154,471,241, C>T. VCF-style: chrX-154471241-C-T. GRCh37 (hg19) VCF-style: chrX-153699584-C-T.
Other names: c.5293C>T (NM_017514.3); short protein forms R1765C.
Identifiers: ClinVar variation 3036630 (VCV003036630.3), dbSNP rs782513820, ClinGen allele CA10565086.
Genomic context (GRCh38, chrX:154,471,241, plus strand): 5'-GATGCCTGCCTGTCGGTGGTAGCCCAGACCTTCATGGACTCCTGCTCTACATCCGAGCAC[C>T]GCCTGGGGAAGGACTCGCCCTCCAACAAACTGCTCTACGCCAAGGACATCCCCAACTACA-3'
Protein context (NP_059984.3, residues 1755-1775): FMDSCSTSEH[Arg1765Cys]LGKDSPSNKL